The following is an entry in ClinVar:

ClinVar aggregate classification (germline): Likely pathogenic (1 of 4 stars; one submission).

Conditions:
Combined malonic and methylmalonic acidemia. Identifiers: Orphanet 289504, MedGen C3280314, MONDO:0013661, OMIM 614265.

Submission:

Labcorp Genetics (formerly Invitae), Labcorp
Classification: Likely pathogenic for Combined malonic and methylmalonic acidemia. Last evaluated: 2020-07-28. Review status: criteria provided, single submitter. Criteria: Invitae Variant Classification Sherloc (09022015). Collection method: clinical testing. Allele origin: germline.
Comment: This variant results in a copy number gain of the genomic region encompassing exon(s) 5-10 of the ACSF3 gene. While the exact position of this variant cannot be determined from the data, sub-genic copy number gains are generally in tandem (PMID: 25640679). This variant is predicted to be out-of-frame, and may result in an absent or disrupted protein product. This variant has not been reported in the literature in individuals with ACSF3-related conditions. Loss-of-function variants in ACSF3 are known to be pathogenic (PMID: 21841779, 26827111). In summary, the currently available evidence indicates that the variant is pathogenic, but additional data are needed to prove that conclusively. Therefore, this variant has been classified as Likely Pathogenic.

Literature cited by the submitters: PubMed 25640679; PubMed 21841779; PubMed 26827111.

NC_000016.9:g.(?_89178490)_(89212467_?)dup

Gene: ACSF3 (acyl-CoA synthetase family member 3; plus strand). Cytogenetic location: 16q24.3.
Variant type: Duplication.
Identifiers: ClinVar variation 1068050 (VCV001068050.5).